The following is an entry in ClinVar:

NM_000545.8(HNF1A):c.863_864insC (p.Pro289fs)

Gene: HNF1A (HNF1 homeobox A; plus strand). Cytogenetic location: 12q24.31.
Variant type: Insertion.
Coding change: c.863_864insC on transcript NM_000545.8 (MANE Select); coding-DNA positions 863 to 864, C inserted.
Protein change: p.Pro289fs; shifts the reading frame from proline 289.
Molecular consequence: frameshift variant.
Genome position: GRCh38 VCF-style: chr12-120994313-G-GC. GRCh37 (hg19) VCF-style: chr12-121432116-G-GC.
Other names: c.863_864insC, p.Pro289fs (NM_001306179.2); short protein forms P289fs.
Identifiers: ClinVar variation 1328238 (VCV001328238.22), dbSNP rs766191969, ClinGen allele CA6831846.

ClinVar aggregate classification (germline): Pathogenic. Review status: criteria provided, multiple submitters, no conflicts (2 of 4 stars). 10 submissions from 10 submitters: Pathogenic (8). 2 of the submissions do not count toward it. Last evaluated 2025-07-20.

Conditions:
Type 1 diabetes mellitus 20 (T1D20). Also called: Diabetes mellitus, insulin-dependent, 20. Identifiers: MedGen C2675866, MONDO:0012919, OMIM 612520.
HNF1A-related disorders.
Maturity-onset diabetes of the young type 3. Also called: MODY, type III; MODY type 3. Identifiers: Orphanet 552, MedGen C1838100, MeSH C563933, MONDO:0010894, OMIM 600496. Disease mechanism: loss of function.

Allele frequency attached by ClinVar (database versions not stated): ExAC 0.00125.

Submissions (10):

Labcorp Genetics (formerly Invitae), Labcorp
Classification: Pathogenic. Last evaluated: 2025-07-20. Review status: criteria provided, single submitter. Criteria: Invitae Variant Classification Sherloc (09022015). Collection method: clinical testing. Allele origin: germline.
Comment: This sequence change creates a premature translational stop signal (p.Pro289Alafs*28) in the HNF1A gene. It is expected to result in an absent or disrupted protein product. Loss-of-function variants in HNF1A are known to be pathogenic (PMID: 15928245, 18003757). The frequency data for this variant in the population databases is considered unreliable, as metrics indicate poor data quality at this position in the gnomAD database. This premature translational stop signal has been observed in individual(s) with maturity-onset diabetes of the young (PMID: 24355479). Invitae Evidence Modeling of clinical and family history, age, sex, and reported ancestry of multiple individuals with this HNF1A variant has been performed. This variant is expected to be pathogenic with a positive predictive value of at least 99%. This is a validated machine learning model that incorporates the clinical features of 42,750 individuals referred to our laboratory for HNF1A testing. ClinVar contains an entry for this variant (Variation ID: 1328238). For these reasons, this variant has been classified as Pathogenic.

Genomic Medicine Center of Excellence, King Faisal Specialist Hospital and Research Centre
Classification: Pathogenic for Maturity-onset diabetes of the young type 3. Last evaluated: 2024-12-18. Review status: criteria provided, single submitter. Criteria: ACMG Guidelines, 2015. Collection method: clinical testing. Allele origin: germline.

Blueprint Genetics
Classification: Pathogenic for HNF1A-related disorders. Last evaluated: 2024-07-03. Review status: criteria provided, single submitter. Criteria: ACMG Guidelines, 2015. Collection method: clinical testing. Allele origin: germline. Affected: yes. Observed: 5 variant alleles.

Institute of Human Genetics Munich, TUM University Hospital
Classification: Pathogenic for Maturity-onset diabetes of the young type 3. Last evaluated: 2023-09-07. Review status: criteria provided, single submitter. Criteria: Classification criteria August 2017. Collection method: clinical testing. Allele origin: germline. Inheritance: Autosomal dominant inheritance. Affected: yes. Observed: 1 variant allele.

Geisinger Clinic, Geisinger Health System
Classification: Pathogenic for Maturity-onset diabetes of the young type 3. Last evaluated: 2022-08-02. Review status: criteria provided, single submitter. Criteria: ACMG Guidelines, 2015. Collection method: research. Allele origin: germline. Inheritance: Autosomal dominant inheritance. Affected: yes. Observed: 4 variant alleles.
Comment: PVS1, PP1_Strong, PS4_Strong, PS2_Moderate

MGZ Medical Genetics Center
Classification: Pathogenic for Maturity-onset diabetes of the young type 3. Last evaluated: 2021-12-09. Review status: criteria provided, single submitter. Criteria: ACMG Guidelines, 2015. Collection method: clinical testing. Allele origin: germline. Affected: yes. Observed: 1 variant allele.
Comment: ACMG criteria applied: PVS1, PS4_SUP, PM2_SUP

Genetics and Molecular Pathology, SA Pathology
Classification: Pathogenic for Type 1 diabetes mellitus 20. Last evaluated: 2020-08-25. Review status: criteria provided, single submitter. Criteria: ACMG Guidelines, 2015. Collection method: clinical testing. Allele origin: germline. Inheritance: Autosomal dominant inheritance. Affected: yes.
Comment: PS4, PVS1, PS3, PP1, PP5

Hadassah Hebrew University Medical Center
Classification: Pathogenic for Maturity-onset diabetes of the young type 3. Review status: criteria provided, single submitter. Criteria: ACMG Guidelines, 2015. Collection method: research. Allele origin: germline. Affected: no. Observed: 1 variant allele.

Genome Diagnostics Laboratory, Amsterdam University Medical Center
Classification: Pathogenic. Review status: no assertion criteria provided. Collection method: clinical testing. Allele origin: germline. Affected: yes. Study: VKGL Data-share Consensus. Not counted in ClinVar's aggregate classification.

Laboratory of Diagnostic Genome Analysis, Leiden University Medical Center (LUMC)
Classification: Pathogenic. Review status: no assertion criteria provided. Collection method: clinical testing. Allele origin: germline. Affected: yes. Study: VKGL Data-share Consensus. Not counted in ClinVar's aggregate classification.

Literature cited by the submitters: PubMed 15928245 (cited by Labcorp Genetics (formerly Invitae), Labcorp); PubMed 18003757 (cited by Labcorp Genetics (formerly Invitae), Labcorp); PubMed 24355479 (cited by Labcorp Genetics (formerly Invitae), Labcorp); PubMed 36257325 (cited by Geisinger Clinic, Geisinger Health System).